The following is an entry in ClinVar:

ClinVar aggregate classification (germline): Benign. Review status: criteria provided, multiple submitters, no conflicts (2 of 4 stars). 3 submissions from 3 submitters: Benign (3). Last evaluated 2026-09-21.

Allele frequency attached by ClinVar (database versions not stated): gnomAD 0.75052 and 0.74947; gnomAD exomes 0.72064 and 0.72658; 1000 Genomes Project 30x 0.77061; 1000 Genomes Project 0.77336; TOPMed 0.73182; ExAC 0.73997.
gnomAD v4.1: 881,183 of 1,208,080 alleles (73%); highest among the groups gnomAD compares: South Asian, 86%; 322,805 homozygotes.

Submissions (3):

Molecular Diagnostic Laboratory for Inherited Cardiovascular Disease, Montreal Heart Institute
Classification: Benign. Last evaluated: 2026-09-21. Review status: criteria provided, single submitter. Criteria: ACMG Guidelines, 2015. Collection method: clinical testing. Allele origin: germline. Affected: no.
Comment: BA1

GeneDx
Classification: Benign. Last evaluated: 2018-06-26. Review status: criteria provided, single submitter. Criteria: GeneDx Variant Classification Process June 2021. Collection method: clinical testing. Allele origin: germline. Affected: yes.

Breakthrough Genomics
Classification: Benign. Review status: criteria provided, single submitter. Criteria: ACMG Guidelines, 2015. Collection method: not provided. Allele origin: germline. Inheritance: Autosomal recessive inheritance. Affected: yes.

NM_001267550.2(TTN):c.34378+29G>C

Gene: TTN (titin; minus strand). Cytogenetic location: 2q31.2.
Variant type: single nucleotide variant.
Coding change: c.34378+29G>C on transcript NM_001267550.2 (MANE Select); 29 bases into the intron after coding-DNA position 34378, G replaced by C.
Molecular consequence: intron variant.
Genome position (GRCh38, 1-based): chr2:178,677,172, C>G on the plus strand (G>C on the coding strand, the complement: TTN is on the minus strand). VCF-style: chr2-178677172-C-G. GRCh37 (hg19) VCF-style: chr2-179541899-C-G.
Other names: c.13283-34855G>C (NM_003319.4); c.13859-34855G>C (NM_133437.4); c.13658-34855G>C (NM_133432.3); c.30559+449G>C (NM_133378.4); c.33340+449G>C (NM_001256850.1).
Identifiers: ClinVar variation 1253673 (VCV001253673.4), dbSNP rs2742351, ClinGen allele CA1998089.